The following is an entry in ClinVar:

NM_177438.3(DICER1):c.4035T>C (p.Tyr1345=)

Gene: DICER1 (dicer 1, ribonuclease III; minus strand). Cytogenetic location: 14q32.13.
Variant type: single nucleotide variant.
Coding change: c.4035T>C on transcript NM_177438.3 (MANE Select); coding-DNA position 4035, T replaced by C.
Protein change: p.Tyr1345=; no amino-acid change (tyrosine 1345 retained).
Molecular consequence: synonymous variant.
Genome position (GRCh38, 1-based): chr14:95,103,361, A>G on the plus strand (T>C on the coding strand, the complement: DICER1 is on the minus strand). VCF-style: chr14-95103361-A-G. GRCh37 (hg19) VCF-style: chr14-95569698-A-G.
Other names: c.4035T>C, p.Tyr1345= (NM_001195573.1, NM_001271282.3, NM_001291628.2 and 1 more transcripts).
Identifiers: ClinVar variation 1583650 (VCV001583650.12), dbSNP rs1323719137, ClinGen allele CA487844181.
Genomic context (GRCh38, chr14:95,103,361, plus strand): 5'-CACACTGAATAATTAACTGCTCAAAATAAAAAAATCATCTCTTACCTTTTTGCTTCTCAT[A>G]TATGAAAGGCGGCCCTCATGCGCATCAGGGTAAGTGCAAAATAGATATGTGGTGATGGCA-3'
Protein context (NP_803187.1, residues 1335-1355): YPDAHEGRLS[Tyr1345=]MRSKKVSNCN

ClinVar aggregate classification (germline): Benign/Likely benign. Review status: criteria provided, multiple submitters, no conflicts (2 of 4 stars). 3 submissions from 3 submitters: Benign (1); Likely benign (2). Last evaluated 2026-08-17.

Conditions:
DICER1-related tumor predisposition. Also called: DICER1-related pleuropulmonary blastoma cancer predisposition syndrome; DICER1 syndrome. Identifiers: Orphanet 284343, MedGen C3839822, MONDO:0100216.
Hereditary cancer-predisposing syndrome. Also called: Neoplastic Syndromes, Hereditary; Tumor predisposition; Hereditary Cancer Syndrome; Hereditary neoplastic syndrome. Identifiers: Orphanet 140162, MedGen C0027672, MeSH D009386, MONDO:0015356.

Allele frequency attached by ClinVar (database versions not stated): gnomAD exomes below 0.00001.

Submissions (3):

Myriad Genetics, Inc.
Classification: Benign for DICER1-related tumor predisposition. Last evaluated: 2026-08-17. Review status: criteria provided, single submitter. Criteria: Myriad Autosomal Dominant, Autosomal Recessive and X-Linked Classification Criteria (2023). Collection method: clinical testing. Allele origin: unknown.
Comment: This variant is considered benign. This variant is a silent/synonymous amino acid change and it is not expected to impact splicing.

Labcorp Genetics (formerly Invitae), Labcorp
Classification: Likely benign for DICER1-related tumor predisposition. Last evaluated: 2025-02-13. Review status: criteria provided, single submitter. Criteria: Invitae Variant Classification Sherloc (09022015). Collection method: clinical testing. Allele origin: germline.

Ambry Genetics
Classification: Likely benign for Hereditary cancer-predisposing syndrome. Last evaluated: 2021-03-04. Review status: criteria provided, single submitter. Criteria: Ambry Variant Classification Scheme 2023. Collection method: clinical testing. Allele origin: germline.